The following is an entry in ClinVar:

ClinVar aggregate classification (germline): Conflicting classifications of pathogenicity. Review status: criteria provided, conflicting classifications (1 of 4 stars). 4 submissions from 4 submitters: Uncertain significance (3); Benign (1). Last evaluated 2025-11-21.

Conditions:
Hereditary nonpolyposis colorectal neoplasms. Identifiers: MedGen C0009405, MeSH D003123.
Lynch syndrome. Identifiers: Orphanet 144, MedGen C4552100, MONDO:0005835. Disease mechanism: loss of function.
Hereditary cancer-predisposing syndrome. Also called: Neoplastic Syndromes, Hereditary; Tumor predisposition; Hereditary Cancer Syndrome; Hereditary neoplastic syndrome. Identifiers: Orphanet 140162, MedGen C0027672, MeSH D009386, MONDO:0015356.

Allele frequency attached by ClinVar (database versions not stated): gnomAD exomes below 0.00001; gnomAD 0.00001; TOPMed 0.00001.
gnomAD v4.1: 4 of 1,610,714 alleles (0.00025%); highest among the groups gnomAD compares: Non-Finnish European, 0.00017%; no homozygotes.

Submissions (4):

Labcorp Genetics (formerly Invitae), Labcorp
Classification: Benign for Hereditary nonpolyposis colorectal neoplasms. Last evaluated: 2025-11-21. Review status: criteria provided, single submitter. Criteria: Invitae Variant Classification Sherloc (09022015). Collection method: clinical testing. Allele origin: germline.

Ambry Genetics
Classification: Uncertain significance for Hereditary cancer-predisposing syndrome. Last evaluated: 2025-10-27. Review status: criteria provided, single submitter. Criteria: Ambry Variant Classification Scheme 2023. Collection method: clinical testing. Allele origin: germline.
Comment: The p.E30Q variant (also known as c.88G>C), located in coding exon 1 of the MSH6 gene, results from a G to C substitution at nucleotide position 88. The glutamic acid at codon 30 is replaced by glutamine, an amino acid with highly similar properties. This amino acid position is poorly conserved in available vertebrate species. In addition, this alteration is predicted to be tolerated by in silico analysis. Since supporting evidence is limited at this time, the clinical significance of this alteration remains unclear.

All of Us Research Program, National Institutes of Health
Classification: Uncertain significance for Lynch syndrome. Last evaluated: 2024-08-06. Review status: criteria provided, single submitter. Criteria: ACMG Guidelines, 2015. Collection method: clinical testing. Allele origin: germline. Inheritance: Autosomal dominant inheritance. Observed: 2 variant alleles, 2 heterozygotes.
Comment: This missense variant replaces glutamic acid with glutamine at codon 30 of the MSH6 protein. Computational prediction suggests that this variant may not impact protein structure and function (internally defined REVEL score threshold <= 0.5, PMID: 27666373). To our knowledge, functional studies have not been reported for this variant. This variant has not been reported in individuals affected with hereditary cancer in the literature. This variant has not been identified in the general population by the Genome Aggregation Database (gnomAD). The available evidence is insufficient to determine the role of this variant in disease conclusively. Therefore, this variant is classified as a Variant of Uncertain Significance.

This study involves interpretation of variants in research participants for the purpose of population health screening. Participant phenotype was not available at the time of variant classification. Additional details can be found in publication PMID: 35346344, PMCID: PMC8962531

Color Diagnostics, LLC DBA Color Health
Classification: Uncertain significance for Hereditary cancer-predisposing syndrome. Last evaluated: 2024-03-06. Review status: criteria provided, single submitter. Criteria: ACMG Guidelines, 2015. Collection method: clinical testing. Allele origin: germline.
Comment: This missense variant replaces glutamic acid with glutamine at codon 30 of the MSH6 protein. Computational prediction suggests that this variant may not impact protein structure and function (internally defined REVEL score threshold <= 0.5, PMID: 27666373). To our knowledge, functional studies have not been reported for this variant. This variant has not been reported in individuals affected with MSH6-related disorders in the literature. This variant has not been identified in the general population by the Genome Aggregation Database (gnomAD). The available evidence is insufficient to determine the role of this variant in disease conclusively. Therefore, this variant is classified as a Variant of Uncertain Significance.

NM_000179.3(MSH6):c.88G>C (p.Glu30Gln)

Gene: MSH6 (mutS homolog 6; plus strand). Cytogenetic location: 2p16.3.
Variant type: single nucleotide variant.
Coding change: c.88G>C on transcript NM_000179.3 (MANE Select); coding-DNA position 88, G replaced by C.
Protein change: p.Glu30Gln; replaces glutamic acid 30 with glutamine.
Molecular consequence: missense variant. On other transcripts: 5 prime UTR variant (1).
Genome position (GRCh38, 1-based): chr2:47,783,321, G>C. VCF-style: chr2-47783321-G-C. GRCh37 (hg19) VCF-style: chr2-48010460-G-C.
Other names: c.88G>C, p.Glu30Gln (NM_001281492.2); c.-649G>C (NM_001281493.2); short protein forms E30Q.
Identifiers: ClinVar variation 483760 (VCV000483760.19), dbSNP rs1445690889, ClinGen allele CA346734813.
Genomic context (GRCh38, chr2:47,783,321, plus strand): 5'-TTCTTCCCCAAGTCTCCGGCGCTGAGTGATGCCAACAAGGCCTCGGCCAGGGCCTCACGC[G>C]AAGGCGGCCGTGCCGCCGCTGCCCCCGGGGCCTCTCCTTCCCCAGGCGGGGATGCGGCCT-3'
Protein context (NP_000170.1, residues 20-40): ANKASARASR[Glu30Gln]GGRAAAAPGA